The following is an entry in ClinVar:

NM_139027.6(ADAMTS13):c.1423C>T (p.Pro475Ser)

Gene: ADAMTS13 (ADAM metallopeptidase with thrombospondin type 1 motif 13; plus strand). Cytogenetic location: 9q34.2.
Variant type: single nucleotide variant.
Coding change: c.1423C>T on transcript NM_139027.6 (MANE Select); coding-DNA position 1423, C replaced by T.
Protein change: p.Pro475Ser; replaces proline 475 with serine.
Molecular consequence: missense variant.
Genome position (GRCh38, 1-based): chr9:133,436,943, C>T. VCF-style: chr9-133436943-C-T. GRCh37 (hg19) VCF-style: chr9-136302063-C-T.
Other names: c.1423C>T, p.Pro475Ser (NM_139025.5); c.1330C>T, p.Pro444Ser (NM_139026.6); short protein forms P475S, P444S.
Identifiers: ClinVar variation 5814 (VCV000005814.16), dbSNP rs11575933, ClinGen allele CA117779.

ClinVar aggregate classification (germline): Conflicting classifications of pathogenicity. Review status: criteria provided, conflicting classifications (1 of 4 stars). 7 submissions from 7 submitters: Uncertain significance (1); Benign (3); Likely benign (2). 1 of the submissions does not count toward it. Last evaluated 2026-02-02.

Conditions:
Upshaw-Schulman syndrome (TTP). Also called: Congenital thrombotic thrombocytopenic purpura; THROMBOTIC THROMBOCYTOPENIC PURPURA, HEREDITARY. Identifiers: Orphanet 93583, MedGen C1268935, MONDO:0010122, OMIM 274150.

Allele frequency attached by ClinVar (database versions not stated): gnomAD 0.00232 and 0.00274; gnomAD exomes 0.00244 and 0.00582; TOPMed 0.00261; 1000 Genomes Project 30x 0.00375; 1000 Genomes Project 0.00439; ExAC 0.00733.

Submissions (7):

Labcorp Genetics (formerly Invitae), Labcorp
Classification: Benign. Last evaluated: 2026-02-02. Review status: criteria provided, single submitter. Criteria: Invitae Variant Classification Sherloc (09022015). Collection method: clinical testing. Allele origin: germline.

Mayo Clinic Laboratories, Mayo Clinic
Classification: Benign. Last evaluated: 2024-12-17. Review status: criteria provided, single submitter. Criteria: ACMG Guidelines, 2015. Collection method: clinical testing. Allele origin: germline. Observed: 25 variant alleles.
Comment: BS1, BS2, BP4

Blueprint Genetics
Classification: Likely benign. Last evaluated: 2024-11-27. Review status: criteria provided, single submitter. Criteria: ACMG Guidelines, 2015. Collection method: clinical testing. Allele origin: germline.

GeneDx
Classification: Uncertain significance. Last evaluated: 2021-04-21. Review status: criteria provided, single submitter. Criteria: GeneDx Variant Classification Process June 2021. Collection method: clinical testing. Allele origin: germline. Affected: yes.
Comment: Often reported in the literature as a polymorphism with a suspected northeastern Asian origin of the variant (Nakagawa et al., 2016; Tso et al., 2020); Published functional crystal structure studies demonstrate that the P475S mutant destabilizes the protein leading to reduced substrate affinity and moderately reduced catalytic efficiency of the ADAMTS13 enzyme (Akiyama et al., 2013); Published functional cell transfection studies demonstrate the P475S variant resulted in very low enzyme activity (Kokame et al., 2002); In silico analysis supports that this missense variant does not alter protein structure/function; Observed in 2.024% (642/31714 alleles) individuals of Latino background and 1.524% (273/17908 alleles) individuals of East Asian background in the gnomAD dataset, including multiple unrelated homozygous individuals (Lek et al., 2016); This variant is associated with the following publications: (PMID: 12195022, 23715102, 19847791, 18665921, 27497325, 23621748, 22768050, 12181489, 21676167, 18581589, 21488199, 29669506, 29304523, 32588586)

Mendelics
Classification: Benign for Upshaw-Schulman syndrome. Last evaluated: 2019-05-28. Review status: criteria provided, single submitter. Criteria: Mendelics Assertion Criteria 2017. Collection method: clinical testing. Allele origin: unknown.

PreventionGenetics, part of Exact Sciences
Classification: Likely benign. Review status: criteria provided, single submitter. Criteria: ACMG Guidelines, 2015. Collection method: clinical testing. Allele origin: germline.

OMIM
Classification: Pathogenic for THROMBOTIC THROMBOCYTOPENIC PURPURA, HEREDITARY. Last evaluated: 2002-09-03. Review status: no assertion criteria provided. Collection method: literature only. Allele origin: germline. Not counted in ClinVar's aggregate classification.

Literature cited by the submitters: PubMed 12181489 (cited by OMIM).